The following is an entry in ClinVar:

NM_005591.4(MRE11):c.660-1G>A

Gene: MRE11 (MRE11 double strand break repair nuclease; minus strand). Cytogenetic location: 11q21.
Variant type: single nucleotide variant.
Coding change: c.660-1G>A on transcript NM_005591.4 (MANE Select); the canonical splice acceptor site of the intron before coding-DNA position 660, G replaced by A.
Molecular consequence: splice acceptor variant.
Genome position (GRCh38, 1-based): chr11:94,471,760, C>T on the plus strand (G>A on the coding strand, the complement: MRE11 is on the minus strand). VCF-style: chr11-94471760-C-T. GRCh37 (hg19) VCF-style: chr11-94204926-C-T.
Other names: c.660-1G>A (NM_001330347.2, NM_005590.4).
Identifiers: ClinVar variation 231034 (VCV000231034.3), dbSNP rs876658917, ClinGen allele CA10579402.

ClinVar aggregate classification (germline): Likely pathogenic (1 of 4 stars; one submission).

Conditions:
Hereditary cancer-predisposing syndrome. Also called: Neoplastic Syndromes, Hereditary; Tumor predisposition; Hereditary Cancer Syndrome; Hereditary neoplastic syndrome. Identifiers: Orphanet 140162, MedGen C0027672, MeSH D009386, MONDO:0015356.

Submission:

Ambry Genetics
Classification: Likely pathogenic for Hereditary cancer-predisposing syndrome. Last evaluated: 2015-05-18. Review status: criteria provided, single submitter. Criteria: Ambry Autosomal Dominant and X-Linked criteria (10/2015). Collection method: clinical testing. Allele origin: germline. Observed: 1 variant allele.
Comment: The c.660-1G>A intronic variantresults from a G to A substitution one nucleotide upstream from coding exon 7 of the MRE11A gene. This variant was not reported in population based cohorts in the following databases: Database of Single Nucleotide Polymorphisms (dbSNP), NHLBI Exome Sequencing Project (ESP), and 1000 Genomes Project. In the ESP, this variant was not observed in 6498 samples (12996 alleles) with coverage at this position. To date, this alteration has been detected with an allele frequency of approximately 0.002% (greater than 65000 alleles tested) in our clinical cohort. Based on nucleotide sequence alignment, thisposition is highly conserved in available vertebrate species. Using two different splice site prediction tools, this alteration is predicted by BDGPand ESEfinderto abolish the native acceptor splice site; however, direct evidence is unavailable.Alterations that disrupt the canonical splice donor site are typically deleterious in nature (ACMG Recommendations for Standards for Interpretation and Reporting of Sequence Variations. Revision 2007. Genet Med. 2008;10:294). As such, the c.660-1G>A variant is classified as likely pathogenic.